The following is an entry in ClinVar:

NM_000051.4(ATM):c.4198A>C (p.Lys1400Gln)

Gene: ATM (ATM serine/threonine kinase; plus strand). Cytogenetic location: 11q22.3.
Variant type: single nucleotide variant.
Coding change: c.4198A>C on transcript NM_000051.4 (MANE Select); coding-DNA position 4198, A replaced by C.
Protein change: p.Lys1400Gln; replaces lysine 1400 with glutamine.
Molecular consequence: missense variant.
Genome position (GRCh38, 1-based): chr11:108,289,065, A>C. VCF-style: chr11-108289065-A-C. GRCh37 (hg19) VCF-style: chr11-108159792-A-C.
Other names: c.4198A>C, p.Lys1400Gln (NM_001351834.2); short protein forms K1400Q.
Identifiers: ClinVar variation 921666 (VCV000921666.3), dbSNP rs587781950, ClinGen allele CA382530341.

ClinVar aggregate classification (germline): Uncertain significance (1 of 4 stars; one submission).

Conditions:
Hereditary cancer-predisposing syndrome. Also called: Neoplastic Syndromes, Hereditary; Tumor predisposition; Hereditary Cancer Syndrome; Hereditary neoplastic syndrome. Identifiers: Orphanet 140162, MedGen C0027672, MeSH D009386, MONDO:0015356.

Submission:

Color Diagnostics, LLC DBA Color Health
Classification: Uncertain significance for Hereditary cancer-predisposing syndrome. Last evaluated: 2019-07-02. Review status: criteria provided, single submitter. Criteria: ACMG Guidelines, 2015. Collection method: clinical testing. Allele origin: germline.
Comment: This missense variant replaces lysine with glutamine at codon 1400 of the ATM protein. Computational prediction tools and conservation analyses suggest that this variant may not impact the protein function. Computational splicing tools suggest that this variant may not impact RNA splicing. To our knowledge, functional assays have not been performed for this variant nor has this variant been reported in individuals affected with hereditary cancer in the literature. This variant has not been identified in the general population by the Genome Aggregation Database (gnomAD). Available evidence is insufficient to determine the role of this variant in disease conclusively. Therefore, this variant is classified as a Variant of Uncertain Significance.